The following is an entry in ClinVar:

ClinVar aggregate classification (germline): Uncertain significance (1 of 4 stars; one submission).

Conditions:
Spastic paraplegia. Identifiers: MedGen C0037772, HP:0001258.

gnomAD v4.1: 13 of 1,612,556 alleles (0.00081%); highest among the groups gnomAD compares: Non-Finnish European, 0.0011%; no homozygotes.

Submission:

Labcorp Genetics (formerly Invitae), Labcorp
Classification: Uncertain significance for Spastic paraplegia. Last evaluated: 2022-02-24. Review status: criteria provided, single submitter. Criteria: Invitae Variant Classification Sherloc (09022015). Collection method: clinical testing. Allele origin: germline.
Comment: This variant has not been reported in the literature in individuals affected with SACS-related conditions. This sequence change replaces alanine, which is neutral and non-polar, with serine, which is neutral and polar, at codon 2154 of the SACS protein (p.Ala2154Ser). This variant is not present in population databases (gnomAD no frequency). ClinVar contains an entry for this variant (Variation ID: 837856). Advanced modeling of protein sequence and biophysical properties (such as structural, functional, and spatial information, amino acid conservation, physicochemical variation, residue mobility, and thermodynamic stability) performed at Invitae indicates that this missense variant is not expected to disrupt SACS protein function. In summary, the available evidence is currently insufficient to determine the role of this variant in disease. Therefore, it has been classified as a Variant of Uncertain Significance.

NM_014363.6(SACS):c.6460G>T (p.Ala2154Ser)

Gene: SACS (sacsin molecular chaperone; minus strand). Cytogenetic location: 13q12.12.
Variant type: single nucleotide variant.
Coding change: c.6460G>T on transcript NM_014363.6 (MANE Select); coding-DNA position 6460, G replaced by T.
Protein change: p.Ala2154Ser; replaces alanine 2154 with serine.
Molecular consequence: missense variant.
Genome position (GRCh38, 1-based): chr13:23,337,416, C>A on the plus strand (G>T on the coding strand, the complement: SACS is on the minus strand). VCF-style: chr13-23337416-C-A. GRCh37 (hg19) VCF-style: chr13-23911555-C-A.
Other names: c.6019G>T, p.Ala2007Ser (NM_001278055.2); short protein forms A2007S, A2154S.
Identifiers: ClinVar variation 837856 (VCV000837856.9), dbSNP rs146031135, ClinGen allele CA387521747.